The following is an entry in ClinVar:

NM_130837.3(OPA1):c.1950_1973dup (p.Leu657_Asp658insGluLysAlaLysAsnGluIleLeu)

Gene: OPA1 (OPA1 mitochondrial dynamin like GTPase; plus strand). Cytogenetic location: 3q29.
Variant type: Duplication.
Coding change: c.1950_1973dup on transcript NM_130837.3 (MANE Select); coding-DNA positions 1950 to 1973, 24 bases duplicated (AAAAGCTAAAAATGAAATCCTTGA).
Protein change: p.Leu657_Asp658insGluLysAlaLysAsnGluIleLeu.
Molecular consequence: inframe insertion.
Genome position (GRCh38, 1-based): chr3:193,648,809-193,648,832, AAAAGCTAAAAATGAAATCCTTGA duplicated; duplicating any 24 consecutive bases within chr3:193,648,805-193,648,832 gives the same sequence; the c. name uses the placement nearest the transcript's 3' end. VCF-style (leftmost placement, unchanged base first): chr3-193648804-T-TTTGAAAAAGCTAAAAATGAAATCC. GRCh37 (hg19) VCF-style: chr3-193366593-T-TTTGAAAAAGCTAAAAATGAAATCC.
Other names: c.1416_1439dup, p.Leu479_Asp480insGluLysAlaLysAsnGluIleLeu (NM_001354663.2); c.1413_1436dup, p.Leu478_Asp479insGluLysAlaLysAsnGluIleLeu (NM_001354664.2); c.1785_1808dup, p.Leu602_Asp603insGluLysAlaLysAsnGluIleLeu (NM_015560.3); c.1677_1700dup, p.Leu566_Asp567insGluLysAlaLysAsnGluIleLeu (NM_130831.3); c.1731_1754dup, p.Leu584_Asp585insGluLysAlaLysAsnGluIleLeu (NM_130832.3); c.1788_1811dup, p.Leu603_Asp604insGluLysAlaLysAsnGluIleLeu (NM_130833.3); c.1839_1862dup, p.Leu620_Asp621insGluLysAlaLysAsnGluIleLeu (NM_130834.3); c.1842_1865dup, p.Leu621_Asp622insGluLysAlaLysAsnGluIleLeu (NM_130835.3); and 1 more.
Identifiers: ClinVar variation 2766740 (VCV002766740.3), dbSNP rs2474942680, ClinGen allele CA2697557027.

ClinVar aggregate classification (germline): Uncertain significance (1 of 4 stars; one submission).

Submission:

Labcorp Genetics (formerly Invitae), Labcorp
Classification: Uncertain significance. Last evaluated: 2023-11-11. Review status: criteria provided, single submitter. Criteria: Invitae Variant Classification Sherloc (09022015). Collection method: clinical testing. Allele origin: germline.
Comment: This variant, c.1785_1808dup, results in the insertion of 8 amino acid(s) of the OPA1 protein (p.Glu595_Leu602dup), but otherwise preserves the integrity of the reading frame. This variant is not present in population databases (gnomAD no frequency). This variant has been observed in individual(s) with optic atrophy (Invitae). Experimental studies and prediction algorithms are not available or were not evaluated, and the functional significance of this variant is currently unknown. In summary, the available evidence is currently insufficient to determine the role of this variant in disease. Therefore, it has been classified as a Variant of Uncertain Significance.